The following is an entry in ClinVar:

ClinVar aggregate classification (germline): Likely pathogenic (1 of 4 stars; one submission).

Conditions:
RP1L1-related disorder. Also called: RP1L1-related condition.

Submission:

PreventionGenetics, part of Exact Sciences
Classification: Likely pathogenic for RP1L1-related condition. Last evaluated: 2025-03-19. Review status: criteria provided, single submitter. Criteria: ACMG Guidelines, 2015. Collection method: clinical testing. Allele origin: germline.
Comment: The RP1L1 c.4839_4855del17 variant is predicted to result in a frameshift and premature protein termination (p.Arg1614Leufs*2). To our knowledge, this variant has not been reported in the literature. This variant is reported in 0.00091% of alleles in individuals of European (Non-Finnish) descent in gnomAD. Frameshift variants in RP1L1, even in the terminal exon, are expected to be pathogenic. This variant is interpreted as likely pathogenic.

NM_178857.6(RP1L1):c.4839_4855del (p.Arg1614fs)

Gene: RP1L1 (RP1 like 1). Cytogenetic location: 8p23.1.
Variant type: Deletion.
Coding change: c.4839_4855del on transcript NM_178857.6 (MANE Select); coding-DNA positions 4839 to 4855, 17 bases deleted.
Protein change: p.Arg1614fs; shifts the reading frame from arginine 1614.
Molecular consequence: frameshift variant.
Genome position: GRCh38 VCF-style: chr8-10609242-AAGGCCGAGAGGTTTCGC-A. GRCh37 (hg19) VCF-style: chr8-10466752-AAGGCCGAGAGGTTTCGC-A.
Other names: short protein forms R1614fs.
Identifiers: ClinVar variation 4986220 (VCV004986220.1).
Genomic context (GRCh38, chr8:10,609,242, plus strand): 5'-AGGGCTGGCTCGTCCTCCAGGGTGAAGGAGAGGGGCCCCAGGCCCAGGGTCCGCTCAGAG[AAGGCCGAGAGGTTTCGC>A]AGGCCCCGGAGACGGTGTCTGCGCTGCTGGGTCTGCAGGAGCAGCTCCCCGGTGAGGGCC-3'